The following is an entry in ClinVar:

NM_001278716.2(FBXL4):c.1796A>G (p.Asp599Gly)

Gene: FBXL4 (F-box and leucine rich repeat protein 4; minus strand). Cytogenetic location: 6q16.1.
Variant type: single nucleotide variant.
Coding change: c.1796A>G on transcript NM_001278716.2 (MANE Select); coding-DNA position 1796, A replaced by G.
Protein change: p.Asp599Gly; replaces aspartic acid 599 with glycine.
Molecular consequence: missense variant. On other transcripts: non-coding transcript variant (1).
Genome position (GRCh38, 1-based): chr6:98,874,348, T>C on the plus strand (A>G on the coding strand, the complement: FBXL4 is on the minus strand). VCF-style: chr6-98874348-T-C. GRCh37 (hg19) VCF-style: chr6-99322224-T-C.
Other names: c.1796A>G, p.Asp599Gly (NM_012160.5); short protein forms D599G.
Identifiers: ClinVar variation 437819 (VCV000437819.1), dbSNP rs757279926, ClinGen allele CA3933337.

ClinVar aggregate classification (germline): Uncertain significance (1 of 4 stars; one submission).

Conditions:
Mitochondrial DNA depletion syndrome 13. Also called: FBXL4-Related Encephalomyopathic Mitochondrial DNA Depletion Syndrome; Mitochondrial DNA depletion syndrome 13 (encephalomyopathic type). Identifiers: Orphanet 369897, MedGen C3809592, MONDO:0014198, OMIM 615471.

Allele frequency attached by ClinVar (database versions not stated): gnomAD exomes below 0.00001 and 0.00002; ExAC 0.00001.
gnomAD v4.1: 6 of 1,613,078 alleles (0.00037%); highest among the groups gnomAD compares: South Asian, 0.0044%; no homozygotes.

Submission:

Wong Mito Lab, Molecular and Human Genetics, Baylor College of Medicine
Classification: Uncertain significance for Mitochondrial DNA depletion syndrome 13. Last evaluated: 2017-08-10. Review status: criteria provided, single submitter. Criteria: ACMG Guidelines, 2015. Collection method: reference population. Allele origin: germline.
Comment: The NM_012160.4:c.1796A>G (NP_036292.2:p.Asp599Gly) [GRCH38: NC_000006.12:g.98874348T>C] variant in FBXL4 gene is interpretated to be a Uncertain Significance - Insufficient Evidence based on ACMG guidelines (PMID: 25741868). This variant meets one or more of the following evidence codes reported in the ACMG-guideline. PM2:This variant is absent in key population databases. Based on this evidence code ClinGen Pathogenicity Calculator (PMID:28081714) suggested that the variant is Uncertain Significance - Insufficient Evidence.